The following is an entry in ClinVar:

NM_004859.4(CLTC):c.3266T>C (p.Ile1089Thr)

Gene: CLTC (clathrin heavy chain; plus strand). Cytogenetic location: 17q23.1.
Variant type: single nucleotide variant.
Coding change: c.3266T>C on transcript NM_004859.4 (MANE Select); coding-DNA position 3266, T replaced by C.
Protein change: p.Ile1089Thr; replaces isoleucine 1089 with threonine.
Molecular consequence: missense variant.
Genome position (GRCh38, 1-based): chr17:59,681,663, T>C. VCF-style: chr17-59681663-T-C. GRCh37 (hg19) VCF-style: chr17-57759024-T-C.
Other names: c.3278T>C, p.Ile1093Thr (NM_001288653.2); short protein forms I1089T, I1093T.
Identifiers: ClinVar variation 1333846 (VCV001333846.6), dbSNP rs199715555, ClinGen allele CA292116556.

ClinVar aggregate classification (germline): Uncertain significance. Review status: criteria provided, multiple submitters, no conflicts (2 of 4 stars). 2 submissions from 2 submitters: Uncertain significance (2). Last evaluated 2026-01-05.

Conditions:
Intellectual developmental disorder, autosomal dominant 56. Also called: MENTAL RETARDATION, AUTOSOMAL DOMINANT 56; Intellectual disability, autosomal dominant 56. Identifiers: MedGen C4693389, MONDO:0030922, OMIM 617854.

Allele frequency attached by ClinVar (database versions not stated): gnomAD exomes below 0.00001.
gnomAD v4.1: 3 of 1,612,776 alleles (0.00019%); highest among the groups gnomAD compares: Admixed American, 0.0017%; no homozygotes.

Submissions (2):

Labcorp Genetics (formerly Invitae), Labcorp
Classification: Uncertain significance. Last evaluated: 2026-01-05. Review status: criteria provided, single submitter. Criteria: Invitae Variant Classification Sherloc (09022015). Collection method: clinical testing. Allele origin: germline.
Comment: This sequence change replaces isoleucine, which is neutral and non-polar, with threonine, which is neutral and polar, at codon 1093 of the CLTC protein (p.Ile1093Thr). This variant is not present in population databases (gnomAD no frequency). This variant has not been reported in the literature in individuals affected with CLTC-related conditions. ClinVar contains an entry for this variant (Variation ID: 1333846). Invitae Evidence Modeling of protein sequence and biophysical properties (such as structural, functional, and spatial information, amino acid conservation, physicochemical variation, residue mobility, and thermodynamic stability) indicates that this missense variant is not expected to disrupt CLTC protein function with a negative predictive value of 80%. In summary, the available evidence is currently insufficient to determine the role of this variant in disease. Therefore, it has been classified as a Variant of Uncertain Significance.

CENTOGENE GmbH and LLC - Guiding Precision Medicine
Classification: Uncertain significance for Intellectual developmental disorder, autosomal dominant 56. Last evaluated: 2019-05-24. Review status: criteria provided, single submitter. Criteria: ACMG Guidelines, 2015. Collection method: clinical testing. Allele origin: germline. Affected: yes.